The following is an entry in ClinVar:

NM_033641.4(COL4A6):c.2486C>G (p.Pro829Arg)

Gene: COL4A6 (collagen type IV alpha 6 chain; minus strand). Cytogenetic location: Xq22.3.
Variant type: single nucleotide variant.
Coding change: c.2486C>G on transcript NM_033641.4 (MANE Select); coding-DNA position 2486, C replaced by G.
Protein change: p.Pro829Arg; replaces proline 829 with arginine.
Molecular consequence: missense variant.
Genome position (GRCh38, 1-based): chrX:108,178,713, G>C on the plus strand (C>G on the coding strand, the complement: COL4A6 is on the minus strand). VCF-style: chrX-108178713-G-C. GRCh37 (hg19) VCF-style: chrX-107421943-G-C.
Other names: c.2489C>G (NM_001847.2); c.2537C>G, p.Pro846Arg (NM_001287758.2); c.2486C>G, p.Pro829Arg (NM_001287759.2, NM_001287760.2); c.2489C>G, p.Pro830Arg (NM_001847.4); short protein forms P829R, P830R, P846R.
Identifiers: ClinVar variation 2192520 (VCV002192520.5), dbSNP rs750171742, ClinGen allele CA10487616.

ClinVar aggregate classification (germline): Uncertain significance. Review status: criteria provided, multiple submitters, no conflicts (2 of 4 stars). 2 submissions from 2 submitters: Uncertain significance (2). Last evaluated 2024-05-26.

Allele frequency attached by ClinVar (database versions not stated): TOPMed below 0.00001; ExAC 0.00001; gnomAD 0.00002; gnomAD exomes 0.00004.
gnomAD v4.1: 48 of 1,209,868 alleles (0.004%); highest among the groups gnomAD compares: South Asian, 0.016%; no homozygotes.

Submissions (2):

Ambry Genetics
Classification: Uncertain significance. Last evaluated: 2024-05-26. Review status: criteria provided, single submitter. Criteria: Ambry Variant Classification Scheme 2023. Collection method: clinical testing. Allele origin: germline.

Labcorp Genetics (formerly Invitae), Labcorp
Classification: Uncertain significance. Last evaluated: 2022-02-28. Review status: criteria provided, single submitter. Criteria: Invitae Variant Classification Sherloc (09022015). Collection method: clinical testing. Allele origin: germline.
Comment: This sequence change replaces proline, which is neutral and non-polar, with arginine, which is basic and polar, at codon 830 of the COL4A6 protein (p.Pro830Arg). This variant is present in population databases (rs750171742, gnomAD 0.01%). This variant has not been reported in the literature in individuals affected with COL4A6-related conditions. Algorithms developed to predict the effect of missense changes on protein structure and function output the following: SIFT: "Tolerated"; PolyPhen-2: "Benign"; Align-GVGD: "Class C0". The arginine amino acid residue is found in multiple mammalian species, which suggests that this missense change does not adversely affect protein function. In summary, the available evidence is currently insufficient to determine the role of this variant in disease. Therefore, it has been classified as a Variant of Uncertain Significance.